The following is an entry in ClinVar:

NM_000130.5(F5):c.5165G>A (p.Gly1722Asp)

Gene: F5 (coagulation factor V; minus strand). Cytogenetic location: 1q24.2.
Variant type: single nucleotide variant.
Coding change: c.5165G>A on transcript NM_000130.5 (MANE Select); coding-DNA position 5165, G replaced by A.
Protein change: p.Gly1722Asp; replaces glycine 1722 with aspartic acid.
Molecular consequence: missense variant.
Genome position (GRCh38, 1-based): chr1:169,530,829, C>T on the plus strand (G>A on the coding strand, the complement: F5 is on the minus strand). VCF-style: chr1-169530829-C-T. GRCh37 (hg19) VCF-style: chr1-169500067-C-T.
Other names: short protein forms G1722D.
Identifiers: ClinVar variation 3847041 (VCV003847041.2).
Genomic context (GRCh38, chr1:169,530,829, plus strand): 5'-TCAATGAAAGTACCTACTGGGTTCACAGCTGAGTAGTAGGCCCAAGCCCGACAGGCAGAG[C>T]CAGGACTTTCTGGCCCTGATCGCTCAGTGGCATGCCATACGTAGGTATAACTGCTATTTG-3'
Protein context (NP_000121.2, residues 1712-1732): ATERSGPESP[Gly1722Asp]SACRAWAYYS

ClinVar aggregate classification (germline): Uncertain significance. Review status: criteria provided, multiple submitters, no conflicts (2 of 4 stars). 2 submissions from 2 submitters: Uncertain significance (2). Last evaluated 2026-01-11.

Conditions:
F5-related disorder. Also called: F5-related condition.
Inborn genetic diseases. Identifiers: MedGen C0950123, MeSH D030342.

gnomAD v4.1: 3 of 1,613,926 alleles (0.00019%); highest among the groups gnomAD compares: Admixed American, 0.005%; no homozygotes.

Submissions (2):

PreventionGenetics, part of Exact Sciences
Classification: Uncertain significance for F5-related condition. Last evaluated: 2026-01-11. Review status: criteria provided, single submitter. Criteria: ACMG Guidelines, 2015. Collection method: clinical testing. Allele origin: germline.
Comment: The F5 c.5165G>A variant is predicted to result in the amino acid substitution p.Gly1722Asp. To our knowledge, this variant has not been reported in the literature. This variant is reported in 0.0029% of alleles in individuals of Latino descent in gnomAD. At this time, the clinical significance of this variant is uncertain due to the absence of conclusive functional and genetic evidence.

Ambry Genetics
Classification: Uncertain significance for Inborn genetic diseases. Last evaluated: 2025-01-02. Review status: criteria provided, single submitter. Criteria: Ambry Variant Classification Scheme 2023. Collection method: clinical testing. Allele origin: germline.